The following is an entry in ClinVar:

NM_173494.2(DNAAF6):c.227-1G>A

Gene: DNAAF6 (dynein axonemal assembly factor 6; plus strand). Cytogenetic location: Xq22.3.
Variant type: single nucleotide variant.
Coding change: c.227-1G>A on transcript NM_173494.2 (MANE Select); the canonical splice acceptor site of the intron before coding-DNA position 227, G replaced by A.
Molecular consequence: splice acceptor variant.
Genome position (GRCh38, 1-based): chrX:107,218,863, G>A. VCF-style: chrX-107218863-G-A. GRCh37 (hg19) VCF-style: chrX-106462093-G-A.
Other names: c.227-1G>A (NM_001169154.1, NM_001169154.2).
Identifiers: ClinVar variation 2708214 (VCV002708214.4), dbSNP rs2522791777, ClinGen allele CA413888111.

ClinVar aggregate classification (germline): Pathogenic/Likely pathogenic. Review status: criteria provided, multiple submitters, no conflicts (2 of 4 stars). 2 submissions from 2 submitters: Pathogenic (1); Likely pathogenic (1). Last evaluated 2025-07-04.

Submissions (2):

Mayo Clinic Laboratories, Mayo Clinic
Classification: Likely pathogenic. Last evaluated: 2025-07-04. Review status: criteria provided, single submitter. Criteria: ACMG Guidelines, 2015. Collection method: clinical testing. Allele origin: germline. Observed: 1 variant allele.
Comment: PM2_supporting, PVS1

Labcorp Genetics (formerly Invitae), Labcorp
Classification: Pathogenic. Last evaluated: 2024-01-08. Review status: criteria provided, single submitter. Criteria: Invitae Variant Classification Sherloc (09022015). Collection method: clinical testing. Allele origin: germline.
Comment: This sequence change affects an acceptor splice site in intron 4 of the PIH1D3 gene. It is expected to disrupt RNA splicing. Variants that disrupt the donor or acceptor splice site typically lead to a loss of protein function (PMID: 16199547), and loss-of-function variants in PIH1D3 are known to be pathogenic (PMID: 28041644, 28176794). This variant is not present in population databases (gnomAD no frequency). Disruption of this splice site has been observed in individual(s) with clinical features of PIH1D3-related conditions (Invitae). Algorithms developed to predict the effect of sequence changes on RNA splicing suggest that this variant may disrupt the consensus splice site. For these reasons, this variant has been classified as Pathogenic.

Literature cited by the submitters: PubMed 16199547 (cited by Labcorp Genetics (formerly Invitae), Labcorp); PubMed 28041644 (cited by Labcorp Genetics (formerly Invitae), Labcorp); PubMed 28176794 (cited by Labcorp Genetics (formerly Invitae), Labcorp).